The following is an entry in ClinVar:

NM_007186.6(CEP250):c.3208G>A (p.Val1070Ile)

Gene: CEP250 (centrosomal protein 250; plus strand). Cytogenetic location: 20q11.22.
Variant type: single nucleotide variant.
Coding change: c.3208G>A on transcript NM_007186.6 (MANE Select); coding-DNA position 3208, G replaced by A.
Protein change: p.Val1070Ile; replaces valine 1070 with isoleucine.
Molecular consequence: missense variant.
Genome position (GRCh38, 1-based): chr20:35,496,617, G>A. VCF-style: chr20-35496617-G-A. GRCh37 (hg19) VCF-style: chr20-34084446-G-A.
Other names: c.1312G>A, p.Val438Ile (NM_001318219.1); short protein forms V1070I, V438I.
Identifiers: ClinVar variation 1806687 (VCV001806687.1), dbSNP rs1389642900, ClinGen allele CA408742540.
Genomic context (GRCh38, chr20:35,496,617, plus strand): 5'-TCTGACCCCTCTCTTTTTAGCCTGACTCTCTCACTGATGGAAAAGGAACAGAGACTCCTT[G>A]TTTTACAAGAAGCTGACTCTATTCGACAACAAGAGCTGAGTGCCCTGCGCCAGGACATGC-3'
Protein context (NP_009117.2, residues 1060-1080): SLMEKEQRLL[Val1070Ile]LQEADSIRQQ

ClinVar aggregate classification (germline): Uncertain significance (1 of 4 stars; one submission).

Submission:

GeneDx
Classification: Uncertain significance. Last evaluated: 2022-06-25. Review status: criteria provided, single submitter. Criteria: GeneDx Variant Classification Process June 2021. Collection method: clinical testing. Allele origin: germline. Affected: yes.
Comment: Not observed at significant frequency in large population cohorts (gnomAD); In silico analysis supports that this missense variant does not alter protein structure/function; Has not been previously published as pathogenic or benign to our knowledge